The following is an entry in ClinVar:

NM_183357.3(ADCY5):c.2162G>C (p.Gly721Ala)

Gene: ADCY5 (adenylate cyclase 5; minus strand). Cytogenetic location: 3q21.1.
Variant type: single nucleotide variant.
Coding change: c.2162G>C on transcript NM_183357.3 (MANE Select); coding-DNA position 2162, G replaced by C.
Protein change: p.Gly721Ala; replaces glycine 721 with alanine.
Molecular consequence: missense variant.
Genome position (GRCh38, 1-based): chr3:123,319,768, C>G on the plus strand (G>C on the coding strand, the complement: ADCY5 is on the minus strand). VCF-style: chr3-123319768-C-G. GRCh37 (hg19) VCF-style: chr3-123038615-C-G.
Other names: c.1112G>C, p.Gly371Ala (NM_001199642.1); c.2162G>C, p.Gly721Ala (NM_001378259.1); short protein forms G371A, G721A.
Identifiers: ClinVar variation 3236617 (VCV003236617.1), dbSNP rs376956330, ClinGen allele CA2577223.

ClinVar aggregate classification (germline): Uncertain significance (1 of 4 stars; one submission).

Conditions:
Neurodevelopmental disorder with hyperkinetic movements and dyskinesia. Identifiers: MedGen C5562038, MONDO:0859211, OMIM 619651.

Allele frequency attached by ClinVar (database versions not stated): gnomAD 0.00001; TOPMed 0.00001; ExAC 0.00005; ESP Exome Variant Server 0.00015.
gnomAD v4.1: 39 of 1,614,128 alleles (0.0024%); highest among the groups gnomAD compares: Non-Finnish European, 0.0031%; no homozygotes.

Submission:

Clinical Genomics Laboratory, Washington University in St. Louis
Classification: Uncertain significance for Neurodevelopmental disorder with hyperkinetic movements and dyskinesia. Last evaluated: 2023-12-11. Review status: criteria provided, single submitter. Criteria: ACMG Guidelines, 2015. Collection method: clinical testing. Allele origin: germline.
Comment: The ADCY5 c.2162G>C (p.Gly721Ala) variant, to our knowledge, has not been reported in the medical literature and is only observed on 10/251,296 alleles in the general population (gnomAD v.2.1.1), indicating it is not a common variant. This variant occurs in the adenylate cyclase domain (Interpro) in a region anticipated to form an alpha helix and computational predictors are uncertain as to the impact of this variant on ADCY5 function. Additionally, at least one other missense variant in this region is considered pathogenic (Variation ID: 162091). Due to limited information, and based on ACMG/AMP guidelines for variant interpretation (Richards S et al., PMID: 25741868), the clinical significance of this variant is uncertain at this time.